The following is an entry in ClinVar:

ClinVar aggregate classification (germline): Uncertain significance (1 of 4 stars; one submission).

Allele frequency attached by ClinVar (database versions not stated): gnomAD exomes below 0.00001; gnomAD 0.00001; TOPMed 0.00001.
gnomAD v4.1: 6 of 1,597,800 alleles (0.00038%); highest among the groups gnomAD compares: Non-Finnish European, 0.00051%; no homozygotes.

Submission:

GeneDx
Classification: Uncertain significance. Last evaluated: 2016-10-24. Review status: criteria provided, single submitter. Criteria: GeneDx Variant Classification (06012015). Collection method: clinical testing. Allele origin: germline. Affected: yes.
Comment: A variant of uncertain significance has been identified in the GRIN2A gene. The V506A variant has been reported previously in an individual with seizures and developmental delays; however, it was inherited from the patient's father who had no reported history of epilepsy (DeVries et al., 2013). It was not observed in approximately 6,500 individuals of European and African American ancestry in the NHLBI Exome Sequencing Project, indicating it is not a common benign variant in these populations. The V506A variant is a conservative amino acid substitution, which is not likely to impact secondary protein structure as these residues share similar properties. This substitution occurs at a position where amino acids with similar properties to Valine are tolerated across species. However, in silico analysis predicts this variant is probably damaging to the protein structure/function. Therefore, based on the currently available information, it is unclear whether this variant is a pathogenic variant or a rare benign variant.

NM_001134407.3(GRIN2A):c.1517T>C (p.Val506Ala)

Gene: GRIN2A (glutamate ionotropic receptor NMDA type subunit 2A; minus strand). Cytogenetic location: 16p13.2.
Variant type: single nucleotide variant.
Coding change: c.1517T>C on transcript NM_001134407.3 (MANE Select); coding-DNA position 1517, T replaced by C.
Protein change: p.Val506Ala; replaces valine 506 with alanine.
Molecular consequence: missense variant.
Genome position (GRCh38, 1-based): chr16:9,840,781, A>G on the plus strand (T>C on the coding strand, the complement: GRIN2A is on the minus strand). VCF-style: chr16-9840781-A-G. GRCh37 (hg19) VCF-style: chr16-9934638-A-G.
Other names: c.1517T>C, p.Val506Ala (NM_000833.5, NM_001134408.2); short protein forms V506A.
Identifiers: ClinVar variation 205650 (VCV000205650.2), dbSNP rs796052543, ClinGen allele CA314935.